The following is an entry in ClinVar:

ClinVar aggregate classification (germline): Uncertain significance (1 of 4 stars; one submission).

Conditions:
Hereditary spastic paraplegia 8 (SPG8). Also called: SPASTIC PARAPLEGIA 8, AUTOSOMAL DOMINANT. Identifiers: Orphanet 100989, MedGen C1863704, MONDO:0011339, OMIM 603563.
Ritscher-Schinzel syndrome. Also called: CRANIOCEREBELLOCARDIAC DYSPLASIA. Identifiers: Orphanet 7, MedGen C0796137, MONDO:0019078.

gnomAD v4.1: 17 of 1,614,206 alleles (0.0011%); highest among the groups gnomAD compares: Non-Finnish European, 0.0014%; no homozygotes.

Submission:

Labcorp Genetics (formerly Invitae), Labcorp
Classification: Uncertain significance for Ritscher-Schinzel syndrome; Hereditary spastic paraplegia 8. Last evaluated: 2025-07-16. Review status: criteria provided, single submitter. Criteria: Invitae Variant Classification Sherloc (09022015). Collection method: clinical testing. Allele origin: germline.
Comment: This sequence change replaces tryptophan, which is neutral and slightly polar, with arginine, which is basic and polar, at codon 1073 of the WASHC5 protein (p.Trp1073Arg). This variant is not present in population databases (gnomAD no frequency). This variant has not been reported in the literature in individuals affected with WASHC5-related conditions. ClinVar contains an entry for this variant (Variation ID: 2932238). Invitae Evidence Modeling of protein sequence and biophysical properties (such as structural, functional, and spatial information, amino acid conservation, physicochemical variation, residue mobility, and thermodynamic stability) indicates that this missense variant is not expected to disrupt WASHC5 protein function with a negative predictive value of 80%. In summary, the available evidence is currently insufficient to determine the role of this variant in disease. Therefore, it has been classified as a Variant of Uncertain Significance.

NM_014846.4(WASHC5):c.3217T>C (p.Trp1073Arg)

Genes: WASHC5 (WASH complex subunit 5; minus strand), LOC126860498 (P300/CBP strongly-dependent group 1 enhancer GRCh37_chr8:126043836-126045035; plus strand). Cytogenetic location: 8q24.13.
Variant type: single nucleotide variant.
Coding change: c.3217T>C on transcript NM_014846.4 (MANE Select); coding-DNA position 3217, T replaced by C.
Protein change: p.Trp1073Arg; replaces tryptophan 1073 with arginine.
Molecular consequence: missense variant.
Genome position (GRCh38, 1-based): chr8:125,032,359, A>G on the plus strand (T>C on the coding strand, the complement: WASHC5 is on the minus strand). VCF-style: chr8-125032359-A-G. GRCh37 (hg19) VCF-style: chr8-126044601-A-G.
Other names: c.2773T>C, p.Trp925Arg (NM_001330609.2); short protein forms W1073R, W925R.
Identifiers: ClinVar variation 2932238 (VCV002932238.3), dbSNP rs766017803, ClinGen allele CA185284611.